The following is an entry in ClinVar:

GRCh37/hg19 4p16.1-15.33(chr4:9896293-13242797)x3

Genes: HS3ST1 (heparan sulfate-glucosamine 3-sulfotransferase 1; minus strand), SLC2A9 (solute carrier family 2 member 9; minus strand), WDR1 (WD repeat domain 1; minus strand), CLNK (cytokine dependent hematopoietic cell linker; minus strand), ZNF518B (zinc finger protein 518B; minus strand). Cytogenetic location: 4p16.1-15.33.
Variant type: copy number gain.
Change: copy number 3 (three copies instead of two) of chr4:9,896,293-13,242,797 (3.35 Mb, GRCh37 coordinates, 1-based), cytogenetic band 4p16.1-15.33.
Identifiers: ClinVar variation 929828 (VCV000929828.2).

ClinVar aggregate classification (germline): Uncertain significance (1 of 4 stars; one submission).

Submission:

Clinical Genomics Laboratory, Laboratory for Precision Diagnostics, University of Washington
Classification: Uncertain significance. Last evaluated: 2019-08-30. Review status: criteria provided, single submitter. Criteria: Clinical Cytogenomics Laboratory Policy on CNV Interpretation. Collection method: clinical testing. Allele origin: inherited. Affected: yes. Observed: 1 variant allele.

Literature cited by the submitters: PubMed 17431893.